The following is an entry in ClinVar:

ClinVar aggregate classification (germline): Uncertain significance (1 of 4 stars; one submission).

gnomAD v4.1: 2 of 1,607,844 alleles (0.00012%); highest among the groups gnomAD compares: Admixed American, 0.0017%; no homozygotes.

Submission:

Ambry Genetics
Classification: Uncertain significance. Last evaluated: 2026-06-14. Review status: criteria provided, single submitter. Criteria: Ambry Variant Classification Scheme 2023. Collection method: clinical testing. Allele origin: germline.
Comment: The p.P1443T variant (also known as c.4327C>A), located in coding exon 19 of the WNK2 gene, results from a C to A substitution at nucleotide position 4327. The proline at codon 1443 is replaced by threonine, an amino acid with highly similar properties. This amino acid position is conserved. In addition, this alteration is predicted to be tolerated by in silico analysis. Based on the available evidence, the clinical significance of this variant remains unclear.

NM_006648.4(WNK2):c.4327C>A (p.Pro1443Thr)

Gene: WNK2 (WNK lysine deficient protein kinase 2; plus strand). Cytogenetic location: 9q22.31.
Variant type: single nucleotide variant.
Coding change: c.4327C>A on transcript NM_006648.4 (MANE Select); coding-DNA position 4327, C replaced by A.
Protein change: p.Pro1443Thr; replaces proline 1443 with threonine.
Molecular consequence: missense variant.
Genome position (GRCh38, 1-based): chr9:93,289,081, C>A. VCF-style: chr9-93289081-C-A. GRCh37 (hg19) VCF-style: chr9-96051363-C-A.
Other names: c.4438C>A, p.Pro1480Thr (NM_001282394.3); short protein forms P1443T, P1480T.
Identifiers: ClinVar variation 4866764 (VCV004866764.1).